The following is an entry in ClinVar:

ClinVar aggregate classification (germline): Uncertain significance. Review status: criteria provided, multiple submitters, no conflicts (2 of 4 stars). 2 submissions from 2 submitters: Uncertain significance (2). Last evaluated 2021-10-18.

Allele frequency attached by ClinVar (database versions not stated): TOPMed below 0.00001; gnomAD exomes 0.00001.
gnomAD v4.1: 11 of 1,525,050 alleles (0.00072%); highest among the groups gnomAD compares: African/African-American, 0.0014%; no homozygotes.

Submissions (2):

Labcorp Genetics (formerly Invitae), Labcorp
Classification: Uncertain significance. Last evaluated: 2021-10-18. Review status: criteria provided, single submitter. Criteria: Invitae Variant Classification Sherloc (09022015). Collection method: clinical testing. Allele origin: germline.
Comment: This sequence change replaces glutamic acid with lysine at codon 541 of the MAK protein (p.Glu541Lys). The glutamic acid residue is weakly conserved and there is a small physicochemical difference between glutamic acid and lysine. The frequency data for this variant in the population databases is considered unreliable, as metrics indicate insufficient coverage at this position in the ExAC database. This variant has not been reported in the literature in individuals affected with MAK-related conditions. In summary, the available evidence is currently insufficient to determine the role of this variant in disease. Therefore, it has been classified as a Variant of Uncertain Significance.

Blueprint Genetics
Classification: Uncertain significance. Last evaluated: 2020-12-09. Review status: criteria provided, single submitter. Criteria: ACMG Guidelines, 2015. Collection method: clinical testing. Allele origin: germline.

NM_001242957.3(MAK):c.1621G>A (p.Glu541Lys)

Gene: MAK (male germ cell associated kinase; minus strand). Cytogenetic location: 6p24.2.
Variant type: single nucleotide variant.
Coding change: c.1621G>A on transcript NM_001242957.3 (MANE Select); coding-DNA position 1621, G replaced by A.
Protein change: p.Glu541Lys; replaces glutamic acid 541 with lysine.
Molecular consequence: missense variant. On other transcripts: intron variant (3).
Genome position (GRCh38, 1-based): chr6:10,773,085, C>T on the plus strand (G>A on the coding strand, the complement: MAK is on the minus strand). VCF-style: chr6-10773085-C-T. GRCh37 (hg19) VCF-style: chr6-10773318-C-T.
Other names: c.1495+2243G>A (NM_001377262.1); c.1597+2243G>A (NM_005906.6, NM_001242385.2); short protein forms E541K.
Identifiers: ClinVar variation 1512901 (VCV001512901.4), dbSNP rs769238012, ClinGen allele CA134100501.